The following is an entry in ClinVar:

NM_001267550.2(TTN):c.88883A>G (p.Lys29628Arg)

Genes: TTN-AS1 (TTN antisense RNA 1; plus strand), TTN (titin; minus strand). Cytogenetic location: 2q31.2.
Variant type: single nucleotide variant.
Coding change: c.88883A>G on transcript NM_001267550.2 (MANE Select); coding-DNA position 88883, A replaced by G.
Protein change: p.Lys29628Arg; replaces lysine 29628 with arginine.
Molecular consequence: missense variant.
Genome position (GRCh38, 1-based): chr2:178,554,464, T>C on the plus strand (A>G on the coding strand, the complement: TTN is on the minus strand). VCF-style: chr2-178554464-T-C. GRCh37 (hg19) VCF-style: chr2-179419191-T-C.
Other names: c.83960A>G, p.Lys27987Arg (NM_001256850.1); c.61688A>G, p.Lys20563Arg (NM_003319.4); c.81179A>G, p.Lys27060Arg (NM_133378.4); c.62063A>G, p.Lys20688Arg (NM_133432.3); c.62264A>G, p.Lys20755Arg (NM_133437.4); short protein forms K27060R, K29628R, K20688R, K20563R, K27987R, K20755R.
Identifiers: ClinVar variation 1751979 (VCV001751979.3), dbSNP rs1366016395, ClinGen allele CA349524152.

ClinVar aggregate classification (germline): Uncertain significance. Review status: criteria provided, multiple submitters, no conflicts (2 of 4 stars). 2 submissions from 2 submitters: Uncertain significance (2). Last evaluated 2025-10-15.

Conditions:
Cardiovascular phenotype. Identifiers: MedGen CN230736.

Allele frequency attached by ClinVar (database versions not stated): gnomAD exomes below 0.00001; TOPMed below 0.00001; gnomAD 0.00001.
gnomAD v4.1: 6 of 1,613,192 alleles (0.00037%); highest among the groups gnomAD compares: Non-Finnish European, 0.00051%; no homozygotes.

Submissions (2):

Women's Health and Genetics/Laboratory Corporation of America, LabCorp
Classification: Uncertain significance. Last evaluated: 2025-10-15. Review status: criteria provided, single submitter. Criteria: LabCorp Variant Classification Summary - May 2015. Collection method: clinical testing. Allele origin: germline.
Comment: Variant summary: TTN NM_133378 c.81179A>G (p.Lys27060Arg), also known as NM_001267550 c.88883A>G (p.Lys29628Arg), results in a conservative amino acid change in the encoded protein sequence. Algorithms developed to predict the effect of missense changes on protein structure and function are either unavailable or do not agree on the potential impact of this missense change. The variant allele was found at a frequency of 8.1e-06 in 247318 control chromosomes. The available data on variant occurrences in the general population are insufficient to allow any conclusion about variant significance. To our knowledge, no occurrence of c.81179A>G in individuals affected with TTN-related conditions and no experimental evidence demonstrating its impact on protein function have been reported. ClinVar contains an entry for this variant (Variation ID: 1751979). Based on the evidence outlined above, the variant was classified as uncertain significance.

Ambry Genetics
Classification: Uncertain significance for Cardiovascular phenotype. Last evaluated: 2020-05-07. Review status: criteria provided, single submitter. Criteria: Ambry Variant Classification Scheme 2023. Collection method: clinical testing. Allele origin: germline.
Comment: The p.K20563R variant (also known as c.61688A>G), located in coding exon 159 of the TTN gene, results from an A to G substitution at nucleotide position 61688. The lysine at codon 20563 is replaced by arginine, an amino acid with highly similar properties. This amino acid position is well conserved in available vertebrate species; however, arginine is the reference amino acid in other vertebrate species. In addition, this alteration is predicted to be tolerated by in silico analysis. Since supporting evidence is limited at this time, the clinical significance of this alteration remains unclear.